The following is an entry in ClinVar:

NM_144997.7(FLCN):c.355A>G (p.Ser119Gly)

Gene: FLCN (folliculin; minus strand). Cytogenetic location: 17p11.2.
Variant type: single nucleotide variant.
Coding change: c.355A>G on transcript NM_144997.7 (MANE Select); coding-DNA position 355, A replaced by G.
Protein change: p.Ser119Gly; replaces serine 119 with glycine.
Molecular consequence: missense variant.
Genome position (GRCh38, 1-based): chr17:17,226,217, T>C on the plus strand (A>G on the coding strand, the complement: FLCN is on the minus strand). VCF-style: chr17-17226217-T-C. GRCh37 (hg19) VCF-style: chr17-17129531-T-C.
Other names: c.355A>G, p.Ser119Gly (NM_001353229.2, NM_001353230.2, NM_001353231.2 and 1 more transcripts); short protein forms S119G.
Identifiers: ClinVar variation 1732678 (VCV001732678.2), dbSNP rs2544280565, ClinGen allele CA398534763.
Genomic context (GRCh38, chr17:17,226,217, plus strand): 5'-CTGTGGCCACAAGGCTCACCTCACAGCTCAGGCTCCGGACACAGGCCTGGCGGACAATGC[T>C]GAAGAGCTGGGGGTGGCTGGGGTGCTGGTGGCTGACGTATTTAATGGAGGTCTCTTTATC-3'
Protein context (NP_659434.2, residues 109-129): HQHPSHPQLF[Ser119Gly]IVRQACVRSL

ClinVar aggregate classification (germline): Uncertain significance (1 of 4 stars; one submission).

Conditions:
Hereditary cancer-predisposing syndrome. Also called: Neoplastic Syndromes, Hereditary; Tumor predisposition; Hereditary Cancer Syndrome; Hereditary neoplastic syndrome. Identifiers: Orphanet 140162, MedGen C0027672, MeSH D009386, MONDO:0015356.

Submission:

Ambry Genetics
Classification: Uncertain significance for Hereditary cancer-predisposing syndrome. Last evaluated: 2019-08-22. Review status: criteria provided, single submitter. Criteria: Ambry Variant Classification Scheme 2023. Collection method: clinical testing. Allele origin: germline.
Comment: The p.S119G variant (also known as c.355A>G), located in coding exon 2 of the FLCN gene, results from an A to G substitution at nucleotide position 355. The serine at codon 119 is replaced by glycine, an amino acid with similar properties. This amino acid position is highly conserved in available vertebrate species. In addition, this alteration is predicted to be deleterious by in silico analysis. Since supporting evidence is limited at this time, the clinical significance of this alteration remains unclear.